The following is an entry in ClinVar:

NM_032608.7(MYO18B):c.3880_3884del (p.Arg1294fs)

Gene: MYO18B (myosin XVIIIB; plus strand). Cytogenetic location: 22q12.1.
Variant type: Deletion.
Coding change: c.3880_3884del on transcript NM_032608.7 (MANE Select); coding-DNA positions 3880 to 3884, 5 bases deleted (AGGAA; older notation c.3880_3884delAGGAA).
Protein change: p.Arg1294fs; shifts the reading frame from arginine 1294.
Molecular consequence: frameshift variant.
Genome position (GRCh38, 1-based): chr22:25,851,574-25,851,578, AGGAA deleted; deleting any 5 consecutive bases within chr22:25,851,571-25,851,578 gives the same sequence; the c. name uses the placement nearest the transcript's 3' end. VCF-style (leftmost placement, unchanged base first): chr22-25851570-TGAAAG-T. GRCh37 (hg19) VCF-style: chr22-26247537-TGAAAG-T.
Other names: c.3883_3887del, p.Arg1295fs (NM_001318245.2); short protein forms R1294fs, R1295fs.
Identifiers: ClinVar variation 2168464 (VCV002168464.5), dbSNP rs772181597, ClinGen allele CA10160666.

ClinVar aggregate classification (germline): Pathogenic. Review status: criteria provided, multiple submitters, no conflicts (2 of 4 stars). 2 submissions from 2 submitters: Pathogenic (2). Last evaluated 2025-11-08.

Conditions:
Klippel-Feil anomaly-myopathy-facial dysmorphism syndrome. Also called: Klippel-feil syndrome 4, autosomal recessive, with nemaline myopathy and facial dysmorphism; Klippel-Feil syndrome 4, autosomal recessive, with myopathy and facial dysmorphism. Identifiers: Orphanet 447974, MedGen C4225285, MONDO:0014689, OMIM 616549.

Submissions (2):

Labcorp Genetics (formerly Invitae), Labcorp
Classification: Pathogenic. Last evaluated: 2025-11-08. Review status: criteria provided, single submitter. Criteria: Invitae Variant Classification Sherloc (09022015). Collection method: clinical testing. Allele origin: germline.
Comment: This sequence change creates a premature translational stop signal (p.Arg1294Glyfs*34) in the MYO18B gene. It is expected to result in an absent or disrupted protein product. Loss-of-function variants in MYO18B are known to be pathogenic (PMID: 25748484, 32184166, 32637634). This variant is not present in population databases (gnomAD no frequency). This premature translational stop signal has been observed in individual(s) with Klippel-Feil syndrome 4 (PMID: 32637634). ClinVar contains an entry for this variant (Variation ID: 2168464). For these reasons, this variant has been classified as Pathogenic.

Variantyx, Inc.
Classification: Pathogenic for Klippel-Feil anomaly-myopathy-facial dysmorphism syndrome. Last evaluated: 2025-03-28. Review status: criteria provided, single submitter. Criteria: Variantyx Assertion Criteria 2022. Collection method: clinical testing. Allele origin: maternal. Inheritance: Autosomal recessive inheritance.
Comment: This is a frameshift variant in the MYO18B gene (OMIM: 607295). Pathogenic variants in this gene have been associated with autosomal recessive Klippel-Feil syndrome 4 with nemaline myopathy and facial dysmorphism. The Klippel-Feil anomaly is observed in about half of the patients (PMID: 27858739, 25748484, 31195167). This variant introduces a premature termination codon in exon 21 out of 44. It is expected to result in loss of function, which is a known disease mechanism for MYO18B in this disorder (PMID: 32184166, 25748484) (PVS1). This variant has been reported in the compound heterozygous state in an individual with dysmorphic features and generalized muscle weakness and atrophy since early infancy (PMID: 32637634) (PM3_Supporting). This variant has a 0.0074% maximum allele frequency in non-founder control populations (PM2). Based on the current evidence, this variant is classified as pathogenic for autosomal recessive Klippel-Feil syndrome 4 with nemaline myopathy and facial dysmorphism.

Literature cited by the submitters: PubMed 25748484 (cited by Labcorp Genetics (formerly Invitae), Labcorp and Variantyx, Inc.); PubMed 32184166 (cited by Labcorp Genetics (formerly Invitae), Labcorp and Variantyx, Inc.); PubMed 32637634 (cited by Labcorp Genetics (formerly Invitae), Labcorp and Variantyx, Inc.); PubMed 27858739 (cited by Variantyx, Inc.); PubMed 31195167 (cited by Variantyx, Inc.); PubMed 27121329 (cited by Variantyx, Inc.).